The following is an entry in ClinVar:

NM_001080442.3(SLC38A8):c.269G>T (p.Gly90Val)

Gene: SLC38A8 (solute carrier family 38 member 8; minus strand). Cytogenetic location: 16q23.3.
Variant type: single nucleotide variant.
Coding change: c.269G>T on transcript NM_001080442.3 (MANE Select); coding-DNA position 269, G replaced by T.
Protein change: p.Gly90Val; replaces glycine 90 with valine.
Molecular consequence: missense variant.
Genome position (GRCh38, 1-based): chr16:84,036,821, C>A on the plus strand (G>T on the coding strand, the complement: SLC38A8 is on the minus strand). VCF-style: chr16-84036821-C-A. GRCh37 (hg19) VCF-style: chr16-84070426-C-A.
Other names: short protein forms G90V.
Identifiers: ClinVar variation 2444709 (VCV002444709.8), dbSNP rs768657069, ClinGen allele CA8200407.

ClinVar aggregate classification (germline): Conflicting classifications of pathogenicity. Review status: criteria provided, conflicting classifications (1 of 4 stars). 4 submissions from 4 submitters: Pathogenic (1); Uncertain significance (3). Last evaluated 2026-09-14.

Conditions:
SLC38A8-related disorder. Also called: SLC38A8-related condition.

Allele frequency attached by ClinVar (database versions not stated): ExAC 0.00004.
gnomAD v4.1: 33 of 1,613,958 alleles (0.002%); highest among the groups gnomAD compares: Non-Finnish European, 0.00025%; no homozygotes.

Submissions (4):

GeneDx
Classification: Uncertain significance. Last evaluated: 2026-09-14. Review status: criteria provided, single submitter. Criteria: GeneDx Variant Classification Process June 2021. Collection method: clinical testing. Allele origin: germline.
Comment: Observed as homozygous or with a pathogenic variant in patients with foveal hypoplasia referred for genetic testing at GeneDx and in published literature, but it is not known whether the variants occurred on the same (in cis) or on different (in trans) chromosomes (PMID: 33594928); In silico analysis supports that this missense variant has a deleterious effect on protein structure/function; This variant is associated with the following publications: (PMID: 33594928)

Women's Health and Genetics/Laboratory Corporation of America, LabCorp
Classification: Uncertain significance. Last evaluated: 2024-09-20. Review status: criteria provided, single submitter. Criteria: LabCorp Variant Classification Summary - May 2015. Collection method: clinical testing. Allele origin: germline.
Comment: Variant summary: SLC38A8 c.269G>T (p.Gly90Val) results in a non-conservative amino acid change located in the Amino acid transporter, transmembrane domain (IPR013057) of the encoded protein sequence. Four of five in-silico tools predict a damaging effect of the variant on protein function. The variant allele was found at a frequency of 6.8e-05 in 250342 control chromosomes (gnomAD). This frequency is not significantly higher than estimated for a pathogenic variant in SLC38A8 causing Foveal Hypoplasia, Optic Nerve Decussation Defect, Anterior Segment Dysgenesis Syndrome, allowing no conclusion about variant significance. c.269G>T has been reported in the literature in an individual affected with Infantile nystagmus with foveal hypoplasia (Ehrenberg_2021). These data do not allow any conclusion about variant significance. To our knowledge, no experimental evidence demonstrating an impact on protein function has been reported. The following publication has been ascertained in the context of this evaluation (PMID: 33594928). ClinVar contains an entry for this variant (Variation ID: 2444709). Based on the evidence outlined above, the variant was classified as uncertain significance.

Labcorp Genetics (formerly Invitae), Labcorp
Classification: Uncertain significance. Last evaluated: 2023-11-27. Review status: criteria provided, single submitter. Criteria: Invitae Variant Classification Sherloc (09022015). Collection method: clinical testing. Allele origin: germline.
Comment: This sequence change replaces glycine, which is neutral and non-polar, with valine, which is neutral and non-polar, at codon 90 of the SLC38A8 protein (p.Gly90Val). This variant is present in population databases (rs768657069, gnomAD 0.1%). This missense change has been observed in individual(s) with autosomal recessive foveal hypoplasia (PMID: 33594928; Invitae). In at least one individual the data is consistent with being in trans (on the opposite chromosome) from a pathogenic variant. ClinVar contains an entry for this variant (Variation ID: 2444709). Advanced modeling of protein sequence and biophysical properties (such as structural, functional, and spatial information, amino acid conservation, physicochemical variation, residue mobility, and thermodynamic stability) performed at Invitae indicates that this missense variant is not expected to disrupt SLC38A8 protein function with a negative predictive value of 80%. In summary, the available evidence is currently insufficient to determine the role of this variant in disease. Therefore, it has been classified as a Variant of Uncertain Significance.

Blueprint Genetics
Classification: Pathogenic for SLC38A8-related disorders. Last evaluated: 2020-12-28. Review status: criteria provided, single submitter. Criteria: ACMG Guidelines, 2015. Collection method: clinical testing. Allele origin: germline. Affected: yes. Observed: 5 variant alleles.

Literature cited by the submitters: PubMed 33594928 (cited by Women's Health and Genetics/Laboratory Corporation of America, LabCorp and Labcorp Genetics (formerly Invitae), Labcorp).